The following is an entry in ClinVar:

NM_003742.4(ABCB11):c.1029C>G (p.Tyr343Ter)

Gene: ABCB11 (ATP binding cassette subfamily B member 11; minus strand). Cytogenetic location: 2q31.1.
Variant type: single nucleotide variant.
Coding change: c.1029C>G on transcript NM_003742.4 (MANE Select); coding-DNA position 1029, C replaced by G.
Protein change: p.Tyr343Ter; replaces tyrosine 343 with a stop codon.
Molecular consequence: nonsense.
Genome position (GRCh38, 1-based): chr2:168,986,164, G>C on the plus strand (C>G on the coding strand, the complement: ABCB11 is on the minus strand). VCF-style: chr2-168986164-G-C. GRCh37 (hg19) VCF-style: chr2-169842674-G-C.
Other names: short protein forms Y343*.
Identifiers: ClinVar variation 2798038 (VCV002798038.4), dbSNP rs751446926, ClinGen allele CA349124098.

ClinVar aggregate classification (germline): Pathogenic/Likely pathogenic. Review status: criteria provided, multiple submitters, no conflicts (2 of 4 stars). 2 submissions from 2 submitters: Pathogenic (1); Likely pathogenic (1). Last evaluated 2024-05-17.

Conditions:
Benign recurrent intrahepatic cholestasis type 2 (BRIC2). Also called: Recurrent familial intrahepatic cholestasis 2. Identifiers: Orphanet 65682, Orphanet 99961, MedGen C2608083, MONDO:0011559, OMIM 605479.
Progressive familial intrahepatic cholestasis type 2. Identifiers: Orphanet 79304, MedGen C3489789, MONDO:0011156, OMIM 601847.

gnomAD v4.1: 5 of 1,612,946 alleles (0.00031%); highest among the groups gnomAD compares: Non-Finnish European, 0.00034%; no homozygotes.

Submissions (2):

Fulgent Genetics
Classification: Likely pathogenic for Progressive familial intrahepatic cholestasis type 2; Benign recurrent intrahepatic cholestasis type 2. Last evaluated: 2024-05-17. Review status: criteria provided, single submitter. Criteria: ACMG Guidelines, 2015. Collection method: clinical testing. Allele origin: germline.

Labcorp Genetics (formerly Invitae), Labcorp
Classification: Pathogenic. Last evaluated: 2023-03-18. Review status: criteria provided, single submitter. Criteria: Invitae Variant Classification Sherloc (09022015). Collection method: clinical testing. Allele origin: germline.
Comment: This sequence change creates a premature translational stop signal (p.Tyr343*) in the ABCB11 gene. It is expected to result in an absent or disrupted protein product. Loss-of-function variants in ABCB11 are known to be pathogenic (PMID: 18395098, 20232290). For these reasons, this variant has been classified as Pathogenic. Algorithms developed to predict the effect of sequence changes on RNA splicing suggest that this variant may disrupt the consensus splice site. This variant has not been reported in the literature in individuals affected with ABCB11-related conditions. This variant is not present in population databases (gnomAD no frequency).

Literature cited by the submitters: PubMed 18395098 (cited by Labcorp Genetics (formerly Invitae), Labcorp); PubMed 20232290 (cited by Labcorp Genetics (formerly Invitae), Labcorp).